The following is an entry in ClinVar:

ClinVar aggregate classification (germline): Uncertain significance (1 of 4 stars; one submission).

Conditions:
Inborn genetic diseases. Identifiers: MedGen C0950123, MeSH D030342.

Submission:

Ambry Genetics
Classification: Uncertain significance for Inborn genetic diseases. Last evaluated: 2024-09-02. Review status: criteria provided, single submitter. Criteria: Ambry Variant Classification Scheme 2023. Collection method: clinical testing. Allele origin: germline.
Comment: The p.A168G variant (also known as c.503C>G), located in coding exon 4 of the ATR gene, results from a C to G substitution at nucleotide position 503. The alanine at codon 168 is replaced by glycine, an amino acid with similar properties. This amino acid position is conserved. In addition, this alteration is predicted to be tolerated by in silico analysis. Based on the available evidence, the clinical significance of this variant remains unclear.

NM_001184.4(ATR):c.503C>G (p.Ala168Gly)

Gene: ATR (ATR serine/threonine kinase; minus strand). Cytogenetic location: 3q23.
Variant type: single nucleotide variant.
Coding change: c.503C>G on transcript NM_001184.4 (MANE Select); coding-DNA position 503, C replaced by G.
Protein change: p.Ala168Gly; replaces alanine 168 with glycine.
Molecular consequence: missense variant.
Genome position (GRCh38, 1-based): chr3:142,562,899, G>C on the plus strand (C>G on the coding strand, the complement: ATR is on the minus strand). VCF-style: chr3-142562899-G-C. GRCh37 (hg19) VCF-style: chr3-142281741-G-C.
Other names: c.503C>G, p.Ala168Gly (NM_001354579.2); short protein forms A168G.
Identifiers: ClinVar variation 3462610 (VCV003462610.1).
Genomic context (GRCh38, chr3:142,562,899, plus strand): 5'-TATCCCATGTGTTCATCTAATTGACTTAAAAATCGGCTCATGACCACTGGCCATTCCACA[G>C]CATGACCCATCACATTTCTTCTATGGAGGTAAACCAAGTCTTCAAAAAGTTGTAATAATT-3'
Protein context (NP_001175.2, residues 158-178): YLHRRNVMGH[Ala168Gly]VEWPVVMSRF